The following is an entry in ClinVar:

ClinVar aggregate classification (germline): Uncertain significance. Review status: criteria provided, multiple submitters, no conflicts (2 of 4 stars). 3 submissions from 3 submitters: Uncertain significance (3). Last evaluated 2025-08-17.

Conditions:
Renal tubular dysgenesis of genetic origin. Also called: PRIMITIVE RENAL TUBULE SYNDROME. Identifiers: Orphanet 97369, MedGen C5681536, MONDO:0009970, OMIM 267430.

Allele frequency attached by ClinVar (database versions not stated): gnomAD 0.00003; TOPMed 0.00006.
gnomAD v4.1: 35 of 1,613,892 alleles (0.0022%); highest among the groups gnomAD compares: Admixed American, 0.013%; no homozygotes.

Submissions (3):

Labcorp Genetics (formerly Invitae), Labcorp
Classification: Uncertain significance. Last evaluated: 2025-08-17. Review status: criteria provided, single submitter. Criteria: Invitae Variant Classification Sherloc (09022015). Collection method: clinical testing. Allele origin: germline.
Comment: This sequence change replaces valine, which is neutral and non-polar, with methionine, which is neutral and non-polar, at codon 478 of the AGT protein (p.Val478Met). This variant is present in population databases (rs766166368, gnomAD 0.009%). This variant has not been reported in the literature in individuals affected with AGT-related conditions. ClinVar contains an entry for this variant (Variation ID: 2416480). Invitae Evidence Modeling of protein sequence and biophysical properties (such as structural, functional, and spatial information, amino acid conservation, physicochemical variation, residue mobility, and thermodynamic stability) has been performed for this missense variant. However, the output from this modeling did not meet the statistical confidence thresholds required to predict the impact of this variant on AGT protein function. In summary, the available evidence is currently insufficient to determine the role of this variant in disease. Therefore, it has been classified as a Variant of Uncertain Significance.

Fulgent Genetics
Classification: Uncertain significance for Renal tubular dysgenesis of genetic origin. Last evaluated: 2024-05-31. Review status: criteria provided, single submitter. Criteria: ACMG Guidelines, 2015. Collection method: clinical testing. Allele origin: germline.

Revvity Omics, Revvity
Classification: Uncertain significance. Last evaluated: 2022-02-17. Review status: criteria provided, single submitter. Criteria: ACMG Guidelines, 2015. Collection method: clinical testing. Allele origin: germline.

NM_001384479.1(AGT):c.1405G>A (p.Val469Met)

Gene: AGT (angiotensinogen; minus strand). Cytogenetic location: 1q42.2.
Variant type: single nucleotide variant.
Coding change: c.1405G>A on transcript NM_001384479.1 (MANE Select); coding-DNA position 1405, G replaced by A.
Protein change: p.Val469Met; replaces valine 469 with methionine.
Molecular consequence: missense variant.
Genome position (GRCh38, 1-based): chr1:230,703,167, C>T on the plus strand (G>A on the coding strand, the complement: AGT is on the minus strand). VCF-style: chr1-230703167-C-T. GRCh37 (hg19) VCF-style: chr1-230838913-C-T.
Other names: NM_000029.4:c.1432G>A; c.1405G>A, p.Val469Met (NM_001382817.3); short protein forms V469M.
Identifiers: ClinVar variation 2416480 (VCV002416480.8), dbSNP rs766166368, ClinGen allele CA1448026.
Genomic context (GRCh38, chr1:230,703,167, plus strand): 5'-GCCTTGCCAGGCACTGTGTTCTGGGGCCCTGGCCTCATGCTGTGCTCAGCGGGTTGGCCA[C>T]GCGGCCCAGGAAGTGCAGGGCAGTGGCGCTTTGATCATACACAGCAAACAGGAATGGGCG-3'
Protein context (NP_001371408.1, residues 459-476): SATALHFLGR[Val469Met]ANPLSTA